The following is an entry in ClinVar:

ClinVar aggregate classification (germline): Uncertain significance (1 of 4 stars; one submission).

Submission:

Labcorp Genetics (formerly Invitae), Labcorp
Classification: Uncertain significance. Last evaluated: 2021-09-17. Review status: criteria provided, single submitter. Criteria: Invitae Variant Classification Sherloc (09022015). Collection method: clinical testing. Allele origin: germline.
Comment: This sequence change replaces glutamic acid with glycine at codon 652 of the ZNF469 protein (p.Glu652Gly). The glutamic acid residue is moderately conserved and there is a moderate physicochemical difference between glutamic acid and glycine. The frequency data for this variant in the population databases is considered unreliable, as metrics indicate insufficient coverage at this position in the ExAC database. This variant has not been reported in the literature in individuals affected with ZNF469-related conditions. Algorithms developed to predict the effect of missense changes on protein structure and function are either unavailable or do not agree on the potential impact of this missense change (SIFT: "Deleterious"; PolyPhen-2: "Benign"; Align-GVGD: "Class C0"). In summary, the available evidence is currently insufficient to determine the role of this variant in disease. Therefore, it has been classified as a Variant of Uncertain Significance.

NM_001367624.2(ZNF469):c.1955A>G (p.Glu652Gly)

Gene: ZNF469 (zinc finger protein 469; plus strand). Cytogenetic location: 16q24.2.
Variant type: single nucleotide variant.
Coding change: c.1955A>G on transcript NM_001367624.2 (MANE Select); coding-DNA position 1955, A replaced by G.
Protein change: p.Glu652Gly; replaces glutamic acid 652 with glycine.
Molecular consequence: missense variant.
Genome position (GRCh38, 1-based): chr16:88,429,425, A>G. VCF-style: chr16-88429425-A-G. GRCh37 (hg19) VCF-style: chr16-88495833-A-G.
Other names: short protein forms E652G.
Identifiers: ClinVar variation 1402594 (VCV001402594.5), dbSNP rs1211070984, ClinGen allele CA397069333.